The following is an entry in ClinVar:

ClinVar aggregate classification (germline): Uncertain significance (1 of 4 stars; one submission).

Allele frequency attached by ClinVar (database versions not stated): gnomAD exomes below 0.00001.
gnomAD v4.1: 1 of 1,613,596 alleles (0.000062%); highest among the groups gnomAD compares: East Asian, 0.0022%; no homozygotes.

Submission:

GeneDx
Classification: Uncertain significance. Last evaluated: 2023-09-11. Review status: criteria provided, single submitter. Criteria: GeneDx Variant Classification Process June 2021. Collection method: clinical testing. Allele origin: germline. Affected: yes.
Comment: Not observed at significant frequency in large population cohorts (gnomAD); In silico analysis supports that this missense variant has a deleterious effect on protein structure/function; Has not been previously published as pathogenic or benign to our knowledge

NM_032217.5(ANKRD17):c.3755G>A (p.Arg1252Gln)

Gene: ANKRD17 (ankyrin repeat domain 17; minus strand). Cytogenetic location: 4q13.3.
Variant type: single nucleotide variant.
Coding change: c.3755G>A on transcript NM_032217.5 (MANE Select); coding-DNA position 3755, G replaced by A.
Protein change: p.Arg1252Gln; replaces arginine 1252 with glutamine.
Molecular consequence: missense variant.
Genome position (GRCh38, 1-based): chr4:73,120,975, C>T on the plus strand (G>A on the coding strand, the complement: ANKRD17 is on the minus strand). VCF-style: chr4-73120975-C-T. GRCh37 (hg19) VCF-style: chr4-73986692-C-T.
Other names: c.3416G>A, p.Arg1139Gln (NM_001286771.3); c.3752G>A, p.Arg1251Gln (NM_015574.2); c.3002G>A, p.Arg1001Gln (NM_198889.3); short protein forms R1001Q, R1139Q, R1251Q, R1252Q.
Identifiers: ClinVar variation 2574502 (VCV002574502.3), dbSNP rs2530634423, ClinGen allele CA357214441.